The following is an entry in ClinVar:

ClinVar aggregate classification (germline): Uncertain significance (1 of 4 stars; one submission).

Allele frequency attached by ClinVar (database versions not stated): TOPMed below 0.00001; gnomAD 0.00001.
gnomAD v4.1: 1 of 1,613,644 alleles (0.000062%); highest among the groups gnomAD compares: African/African-American, 0.0013%; no homozygotes.

Submission:

Labcorp Genetics (formerly Invitae), Labcorp
Classification: Uncertain significance. Last evaluated: 2023-11-13. Review status: criteria provided, single submitter. Criteria: Invitae Variant Classification Sherloc (09022015). Collection method: clinical testing. Allele origin: germline.
Comment: This sequence change replaces leucine, which is neutral and non-polar, with serine, which is neutral and polar, at codon 289 of the PCDH15 protein (p.Leu289Ser). This variant is not present in population databases (gnomAD no frequency). This variant has not been reported in the literature in individuals affected with PCDH15-related conditions. ClinVar contains an entry for this variant (Variation ID: 2124446). Advanced modeling of protein sequence and biophysical properties (such as structural, functional, and spatial information, amino acid conservation, physicochemical variation, residue mobility, and thermodynamic stability) performed at Invitae indicates that this missense variant is not expected to disrupt PCDH15 protein function with a negative predictive value of 80%. In summary, the available evidence is currently insufficient to determine the role of this variant in disease. Therefore, it has been classified as a Variant of Uncertain Significance.

NM_001384140.1(PCDH15):c.866T>C (p.Leu289Ser)

Gene: PCDH15 (protocadherin related 15; minus strand). Cytogenetic location: 10q21.1.
Variant type: single nucleotide variant.
Coding change: c.866T>C on transcript NM_001384140.1 (MANE Select); coding-DNA position 866, T replaced by C.
Protein change: p.Leu289Ser; replaces leucine 289 with serine.
Molecular consequence: missense variant.
Genome position (GRCh38, 1-based): chr10:54,317,281, A>G on the plus strand (T>C on the coding strand, the complement: PCDH15 is on the minus strand). VCF-style: chr10-54317281-A-G. GRCh37 (hg19) VCF-style: chr10-56077041-A-G.
Other names: c.881T>C, p.Leu294Ser (NM_001142763.2, NM_001142769.4, NM_001142771.2); c.866T>C, p.Leu289Ser (NM_001142764.2, NM_001142765.2, NM_001142766.2 and 7 more transcripts); c.755T>C, p.Leu252Ser (NM_001142767.2); c.800T>C, p.Leu267Ser (NM_001142768.2, NM_001142773.2, NM_001354404.2); short protein forms L289S, L267S, L252S, L294S.
Identifiers: ClinVar variation 2124446 (VCV002124446.4), dbSNP rs2061334645, ClinGen allele CA376540777.